The following is an entry in ClinVar:

NM_002528.7(NTHL1):c.562C>G (p.Leu188Val)

Gene: NTHL1 (nth like DNA glycosylase 1; minus strand). Cytogenetic location: 16p13.3.
Variant type: single nucleotide variant.
Coding change: c.562C>G on transcript NM_002528.7 (MANE Select); coding-DNA position 562, C replaced by G.
Protein change: p.Leu188Val; replaces leucine 188 with valine.
Molecular consequence: missense variant.
Genome position (GRCh38, 1-based): chr16:2,043,690, G>C on the plus strand (C>G on the coding strand, the complement: NTHL1 is on the minus strand). VCF-style: chr16-2043690-G-C. GRCh37 (hg19) VCF-style: chr16-2093691-G-C.
Other names: c.586C>G (NM_002528.6); c.391C>G, p.Leu131Val (NM_001318193.2); c.232C>G, p.Leu78Val (NM_001318194.2); short protein forms L131V, L188V, L78V.
Identifiers: ClinVar variation 1054180 (VCV001054180.11), dbSNP rs1233302662, ClinGen allele CA394292164.

ClinVar aggregate classification (germline): Uncertain significance. Review status: criteria provided, multiple submitters, no conflicts (2 of 4 stars). 3 submissions from 3 submitters: Uncertain significance (3). Last evaluated 2025-12-02.

Conditions:
Hereditary cancer-predisposing syndrome. Also called: Hereditary Cancer Syndrome; Tumor predisposition; Hereditary neoplastic syndrome; Neoplastic Syndromes, Hereditary. Identifiers: Orphanet 140162, MedGen C0027672, MeSH D009386, MONDO:0015356.

Submissions (3):

Ambry Genetics
Classification: Uncertain significance for Hereditary cancer-predisposing syndrome. Last evaluated: 2025-12-02. Review status: criteria provided, single submitter. Criteria: Ambry Variant Classification Scheme 2023. Collection method: clinical testing. Allele origin: germline.
Comment: The p.L196V variant (also known as c.586C>G), located in coding exon 4 of the NTHL1 gene, results from a C to G substitution at nucleotide position 586. The leucine at codon 196 is replaced by valine, an amino acid with highly similar properties. This amino acid position is conserved. In addition, this alteration is predicted to be deleterious by in silico analysis. Since supporting evidence is limited at this time, the clinical significance of this alteration remains unclear.

Quest Diagnostics Nichols Institute San Juan Capistrano
Classification: Uncertain significance. Last evaluated: 2024-04-01. Review status: criteria provided, single submitter. Criteria: Quest Diagnostics criteria. Collection method: clinical testing. Allele origin: unknown.
Comment: The NTHL1 c.586C>G (p.Leu196Val) variant (also known as c.562C>G (p.Leu188Val) in NM_002528.7) has not been reported in individuals with NTHL1-related conditions in the published literature. It also has not been reported in large, multi-ethnic general populations (Genome Aggregation Database). Analysis of this variant using bioinformatics tools for the prediction of the effect of amino acid changes on protein structure and function yielded conflicting predictions that this variant is benign or damaging. Based on the available information, we are unable to determine the clinical significance of this variant.

Labcorp Genetics (formerly Invitae), Labcorp
Classification: Uncertain significance. Last evaluated: 2020-08-30. Review status: criteria provided, single submitter. Criteria: Invitae Variant Classification Sherloc (09022015). Collection method: clinical testing. Allele origin: germline.
Comment: This sequence change replaces leucine with valine at codon 196 of the NTHL1 protein (p.Leu196Val). The leucine residue is highly conserved and there is a small physicochemical difference between leucine and valine. This variant is not present in population databases (ExAC no frequency). This variant has not been reported in the literature in individuals with NTHL1-related conditions. Algorithms developed to predict the effect of missense changes on protein structure and function are either unavailable or do not agree on the potential impact of this missense change (SIFT: "Not Available"; PolyPhen-2: "Possibly Damaging"; Align-GVGD: "Not Available"). In summary, the available evidence is currently insufficient to determine the role of this variant in disease. Therefore, it has been classified as a Variant of Uncertain Significance.